The following is an entry in ClinVar:

NM_015107.3(PHF8):c.1389C>T (p.Ala463=)

Gene: PHF8 (PHD finger protein 8; minus strand). Cytogenetic location: Xp11.22.
Variant type: single nucleotide variant.
Coding change: c.1389C>T on transcript NM_015107.3 (MANE Select); coding-DNA position 1389, C replaced by T.
Protein change: p.Ala463=; no amino-acid change (alanine 463 retained).
Molecular consequence: synonymous variant. On other transcripts: intron variant (1).
Genome position (GRCh38, 1-based): chrX:53,993,838, G>A on the plus strand (C>T on the coding strand, the complement: PHF8 is on the minus strand). VCF-style: chrX-53993838-G-A. GRCh37 (hg19) VCF-style: chrX-54020271-G-A.
Other names: c.1497C>T, p.Ala499= (NM_001184896.1); c.1389C>T, p.Ala463= (NM_001184898.2); c.1324-999C>T (NM_001184897.2).
Identifiers: ClinVar variation 2660647 (VCV002660647.24), dbSNP rs374586083, ClinGen allele CA10423481.
Genomic context (GRCh38, chrX:53,993,838, plus strand): 5'-TGACAGCCTGGACATGGACACTGAAGTGGAATGGGCTGGCCTGGTTAGGGGAATGGAGCC[G>A]GCTGGGAAGATCCTCTGCAGCCCAAAGATATTGCTCGTCTTCCCAACGTTCTGTTGGAAG-3'
Protein context (NP_055922.1, residues 453-473): NIFGLQRIFP[Ala463=]GSIPLTRPAH

ClinVar aggregate classification (germline): Likely benign (1 of 4 stars; one submission).

Allele frequency attached by ClinVar (database versions not stated): ExAC 0.00002; gnomAD exomes 0.00002; TOPMed 0.00004; gnomAD 0.00006; ESP Exome Variant Server 0.00009.
gnomAD v4.1: 28 of 1,206,282 alleles (0.0023%); highest among the groups gnomAD compares: Admixed American, 0.02%; no homozygotes.

Submission:

CeGaT Center for Human Genetics Tuebingen
Classification: Likely benign. Last evaluated: 2022-09-01. Review status: criteria provided, single submitter. Criteria: CeGaT Center For Human Genetics Tuebingen Variant Classification Criteria Version 2. Collection method: clinical testing. Allele origin: germline. Affected: yes. Observed: 1 variant allele.
Comment: PHF8: BP4, BP7